The following is an entry in ClinVar:

ClinVar aggregate classification (germline): Benign (1 of 4 stars; one submission).

Allele frequency attached by ClinVar (database versions not stated): gnomAD 0.10256 and 0.11420; TOPMed 0.11595; 1000 Genomes Project 30x 0.18957; 1000 Genomes Project 0.19768.
gnomAD v4.1: 17,301 of 152,216 alleles (11%); highest among the groups gnomAD compares: East Asian, 47%; 1,793 homozygotes.

Submission:

GeneDx
Classification: Benign. Last evaluated: 2018-06-14. Review status: criteria provided, single submitter. Criteria: GeneDx Variant Classification (06012015). Collection method: clinical testing. Allele origin: germline. Affected: yes.
Comment: This variant is considered likely benign or benign based on one or more of the following criteria: it is a conservative change, it occurs at a poorly conserved position in the protein, it is predicted to be benign by multiple in silico algorithms, and/or has population frequency not consistent with disease.

NM_175914.5(HNF4A):c.50-4263G>A

Gene: HNF4A (hepatocyte nuclear factor 4 alpha; plus strand). Cytogenetic location: 20q13.12.
Variant type: single nucleotide variant.
Coding change: c.50-4263G>A on transcript NM_175914.5 (MANE Select); 4263 bases into the intron before coding-DNA position 50, G replaced by A.
Molecular consequence: intron variant.
Genome position (GRCh38, 1-based): chr20:44,401,795, G>A. VCF-style: chr20-44401795-G-A. GRCh37 (hg19) VCF-style: chr20-43030435-G-A.
Other names: c.41-4263G>A (NM_001287182.2, NM_001287183.2, NM_001287184.2); c.50-4263G>A (NM_001030003.3, NM_001030004.3); c.3+308G>A (NM_001258355.2); c.115+308G>A (NM_178849.3, NM_000457.6, NM_178850.3).
Identifiers: ClinVar variation 667605 (VCV000667605.1), dbSNP rs2071197, ClinGen allele CA14775502.